The following is an entry in ClinVar:

ClinVar aggregate classification (germline): Uncertain significance (1 of 4 stars; one submission).

gnomAD v4.1: 1 of 1,585,800 alleles (0.000063%); highest among the groups gnomAD compares: Non-Finnish European, 0.000086%; no homozygotes.

Submission:

Labcorp Genetics (formerly Invitae), Labcorp
Classification: Uncertain significance. Last evaluated: 2025-05-02. Review status: criteria provided, single submitter. Criteria: Invitae Variant Classification Sherloc (09022015). Collection method: clinical testing. Allele origin: germline.
Comment: This sequence change replaces arginine, which is basic and polar, with glycine, which is neutral and non-polar, at codon 141 of the SLC25A21 protein (p.Arg141Gly). This variant is not present in population databases (gnomAD no frequency). This variant has not been reported in the literature in individuals affected with SLC25A21-related conditions. Invitae Evidence Modeling of protein sequence and biophysical properties (such as structural, functional, and spatial information, amino acid conservation, physicochemical variation, residue mobility, and thermodynamic stability) indicates that this missense variant is not expected to disrupt SLC25A21 protein function with a negative predictive value of 80%. In summary, the available evidence is currently insufficient to determine the role of this variant in disease. Therefore, it has been classified as a Variant of Uncertain Significance.

NM_030631.4(SLC25A21):c.421C>G (p.Arg141Gly)

Gene: SLC25A21 (solute carrier family 25 member 21; minus strand). Cytogenetic location: 14q13.3.
Variant type: single nucleotide variant.
Coding change: c.421C>G on transcript NM_030631.4 (MANE Select); coding-DNA position 421, C replaced by G.
Protein change: p.Arg141Gly; replaces arginine 141 with glycine.
Molecular consequence: missense variant.
Genome position (GRCh38, 1-based): chr14:36,725,587, G>C on the plus strand (C>G on the coding strand, the complement: SLC25A21 is on the minus strand). VCF-style: chr14-36725587-G-C. GRCh37 (hg19) VCF-style: chr14-37194792-G-C.
Other names: c.421C>G, p.Arg141Gly (NM_001171170.2); short protein forms R141G.
Identifiers: ClinVar variation 4778721 (VCV004778721.1).
Genomic context (GRCh38, chr14:36,725,587, plus strand): 5'-ATTTTTACATGCCCCTAACAATAGAAAAACATTAAATGGTTACCTCTGCAAATGTGTTCC[G>C]ATTTGCTTGCAAGCCAACTTTTACTACCTCAAAAGGGTTAACTACAATGGCTTCTGTTAG-3'
Protein context (NP_085134.1, residues 131-151): EVVKVGLQAN[Arg141Gly]NTFAEQPSTV